The following is an entry in ClinVar:

NM_001365276.2(TNXB):c.1171G>T (p.Asp391Tyr)

Gene: TNXB (tenascin XB; minus strand). Cytogenetic location: 6p21.33.
Variant type: single nucleotide variant.
Coding change: c.1171G>T on transcript NM_001365276.2 (MANE Select); coding-DNA position 1171, G replaced by T.
Protein change: p.Asp391Tyr; replaces aspartic acid 391 with tyrosine.
Molecular consequence: missense variant.
Genome position (GRCh38, 1-based): chr6:32,096,682, C>A on the plus strand (G>T on the coding strand, the complement: TNXB is on the minus strand). VCF-style: chr6-32096682-C-A. GRCh37 (hg19) VCF-style: chr6-32064459-C-A.
Other names: c.1171G>T, p.Asp391Tyr (NM_019105.8); short protein forms D391Y.
Identifiers: ClinVar variation 3327920 (VCV003327920.1).

ClinVar aggregate classification (germline): Uncertain significance (1 of 4 stars; one submission).

Conditions:
Cardiovascular phenotype. Identifiers: MedGen CN230736.

gnomAD v4.1: 12 of 1,549,784 alleles (0.00077%); highest among the groups gnomAD compares: East Asian, 0.027%; no homozygotes.

Submission:

Ambry Genetics
Classification: Uncertain significance for Cardiovascular phenotype. Last evaluated: 2024-06-03. Review status: criteria provided, single submitter. Criteria: Ambry Variant Classification Scheme 2023. Collection method: clinical testing. Allele origin: germline.
Comment: The p.D391Y variant (also known as c.1171G>T), located in coding exon 2 of the TNXB gene, results from a G to T substitution at nucleotide position 1171. The aspartic acid at codon 391 is replaced by tyrosine, an amino acid with highly dissimilar properties. This amino acid position is conserved. In addition, this alteration is predicted to be tolerated by in silico analysis. Based on the available evidence, the clinical significance of this variant remains unclear.